The following is an entry in ClinVar:

ClinVar aggregate classification (germline): Uncertain significance (1 of 4 stars; one submission).

Submission:

Labcorp Genetics (formerly Invitae), Labcorp
Classification: Uncertain significance. Last evaluated: 2024-05-07. Review status: criteria provided, single submitter. Criteria: Invitae Variant Classification Sherloc (09022015). Collection method: clinical testing. Allele origin: germline.
Comment: This sequence change falls in intron 3 of the ACAN gene. It does not directly change the encoded amino acid sequence of the ACAN protein. It affects a nucleotide within the consensus splice site. Information on the frequency of this variant in the gnomAD database is not available, as this variant may be reported differently in the database. This variant has not been reported in the literature in individuals affected with ACAN-related conditions. Variants that disrupt the consensus splice site are a relatively common cause of aberrant splicing (PMID: 17576681, 9536098). In summary, the available evidence is currently insufficient to determine the role of this variant in disease. Therefore, it has been classified as a Variant of Uncertain Significance.

Literature cited by the submitters: PubMed 17576681; PubMed 9536098.

NM_001369268.1(ACAN):c.455-4_455-3delinsAA

Gene: ACAN (aggrecan; plus strand). Cytogenetic location: 15q26.1.
Variant type: Indel.
Coding change: c.455-4_455-3delinsAA on transcript NM_001369268.1 (MANE Select); 4 bases into the intron before coding-DNA position 455 through 3 bases into the intron before coding-DNA position 455, GC replaced by AA.
Molecular consequence: intron variant.
Genome position (GRCh38, 1-based): chr15:88,840,008-88,840,009, GC replaced by AA. VCF-style: chr15-88840008-GC-AA. GRCh37 (hg19) VCF-style: chr15-89383239-GC-AA.
Other names: c.455-4_455-3delinsAA (NM_013227.4, NM_001411097.1, NM_001411096.1 and 1 more transcripts).
Identifiers: ClinVar variation 3652562 (VCV003652562.2).